The following is an entry in ClinVar:

ClinVar aggregate classification (germline): Likely pathogenic (1 of 4 stars; one submission).

Conditions:
Hereditary spherocytosis type 4. Also called: SLC4A1-Related Spherocytosis. Identifiers: Orphanet 822, MedGen C2675212, MONDO:0012981, OMIM 612653.

Submission:

Johns Hopkins Genomics, Johns Hopkins University
Classification: Likely pathogenic for Hereditary spherocytosis type 4. Last evaluated: 2025-01-23. Review status: criteria provided, single submitter. Criteria: ACMG Guidelines, 2015. Collection method: clinical testing. Allele origin: germline.
Comment: A similar deletion has been identified in individuals with features of lysinuric protein intolerance. A similar SLC7A7 variant is rare (<0.1%) in a large population dataset (gnomADv4.1.0: 1/126092 total alleles; 0.0008%; no homozygotes), but this variant has not been reported in ClinVar. We consider SLC7A7 c.(499_500)_(1536_?)del to be likely pathogenic.

Literature cited by the submitters: PubMed 18716612; PubMed 38053936.

NM_003982.4:c.(499_500)_(1536_?)del

Gene: SLC7A7 (solute carrier family 7 member 7; minus strand).
Variant type: Deletion.
Other names: c.(499_500)_(1536_?)del (NM_003982.4).
Identifiers: ClinVar variation 4280126 (VCV004280126.1).